The following is an entry in ClinVar:

ClinVar aggregate classification (germline): Uncertain significance. Review status: criteria provided, multiple submitters, no conflicts (2 of 4 stars). 2 submissions from 2 submitters: Uncertain significance (2). Last evaluated 2025-09-05.

Submissions (2):

Athena Diagnostics
Classification: Uncertain significance. Last evaluated: 2025-09-05. Review status: criteria provided, single submitter. Criteria: Athena Diagnostics Criteria. Collection method: clinical testing. Allele origin: unknown.
Comment: Available data are insufficient to determine the clinical significance of the variant at this time. This variant has not been reported in large, multi-ethnic general populations. Polyphen and MutationTaster yielded discordant predictions regarding whether this amino acid change is damaging to the protein.

GeneDx
Classification: Uncertain significance. Last evaluated: 2024-11-26. Review status: criteria provided, single submitter. Criteria: GeneDx Variant Classification Process June 2021. Collection method: clinical testing. Allele origin: germline. Affected: yes.
Comment: Not observed at significant frequency in large population cohorts (gnomAD); In silico analysis supports a deleterious effect on protein structure/function; Has not been previously published as pathogenic or benign to our knowledge

NM_015046.7(SETX):c.7159_7160delinsTG (p.Val2387Cys)

Gene: SETX (senataxin; minus strand). Cytogenetic location: 9q34.13.
Variant type: Indel.
Coding change: c.7159_7160delinsTG on transcript NM_015046.7 (MANE Select); coding-DNA positions 7159 to 7160, GT replaced by TG.
Protein change: p.Val2387Cys; replaces valine 2387 with cysteine.
Molecular consequence: missense variant.
Genome position (GRCh38, 1-based): chr9:132,271,749-132,271,750, AC replaced by CA on the plus strand (GT replaced by TG on the coding strand, the reverse complement: SETX is on the minus strand). VCF-style: chr9-132271749-AC-CA. GRCh37 (hg19) VCF-style: chr9-135147136-AC-CA.
Other names: c.7159_7160delinsTG, p.Val2387Cys (NM_001351527.2, NM_001351528.2); c.7159_7160delGTinsTG, p.Val2387Cys (NM_015046.5); short protein forms V2387C.
Identifiers: ClinVar variation 3900576 (VCV003900576.2).